The following is an entry in ClinVar:

NM_032242.4(PLXNA1):c.2971G>T (p.Asp991Tyr)

Genes: PLXNA1 (plexin A1; plus strand), LOC129937476 (ATAC-STARR-seq lymphoblastoid active region 20450; plus strand). Cytogenetic location: 3q21.3.
Variant type: single nucleotide variant.
Coding change: c.2971G>T on transcript NM_032242.4 (MANE Select); coding-DNA position 2971, G replaced by T.
Protein change: p.Asp991Tyr; replaces aspartic acid 991 with tyrosine.
Molecular consequence: missense variant.
Genome position (GRCh38, 1-based): chr3:127,015,277, G>T. VCF-style: chr3-127015277-G-T. GRCh37 (hg19) VCF-style: chr3-126734120-G-T.
Other names: short protein forms D991Y.
Identifiers: ClinVar variation 4986957 (VCV004986957.1).

ClinVar aggregate classification (germline): Uncertain significance (1 of 4 stars; one submission).

Conditions:
PLXNA1-related disorder. Also called: PLXNA1-related condition.

gnomAD v4.1: 1 of 1,612,416 alleles (0.000062%); highest among the groups gnomAD compares: Non-Finnish European, 0.000085%; no homozygotes.

Submission:

PreventionGenetics, part of Exact Sciences
Classification: Uncertain significance for PLXNA1-related condition. Last evaluated: 2026-06-30. Review status: criteria provided, single submitter. Criteria: ACMG Guidelines, 2015. Collection method: clinical testing. Allele origin: germline.
Comment: The PLXNA1 c.2971G>T variant is predicted to result in the amino acid substitution p.Asp991Tyr. To our knowledge, this variant has not been reported in the literature or in a large population database (gnomAD), indicating this variant is rare. At this time, the clinical significance of this variant is uncertain due to the absence of conclusive functional and genetic evidence.